The following is an entry in ClinVar:

NM_173598.6(KSR2):c.619_620delinsAG (p.Gln207Arg)

Gene: KSR2 (kinase suppressor of ras 2; minus strand). Cytogenetic location: 12q24.23.
Variant type: Indel.
Coding change: c.619_620delinsAG on transcript NM_173598.6 (MANE Select); coding-DNA positions 619 to 620, CA replaced by AG.
Protein change: p.Gln207Arg; replaces glutamine 207 with arginine.
Molecular consequence: missense variant.
Genome position (GRCh38, 1-based): chr12:117,761,377-117,761,378, TG replaced by CT on the plus strand (CA replaced by AG on the coding strand, the reverse complement: KSR2 is on the minus strand). VCF-style: chr12-117761377-TG-CT. GRCh37 (hg19) VCF-style: chr12-118199182-TG-CT.
Other names: short protein forms Q207R.
Identifiers: ClinVar variation 5000585 (VCV005000585.1).

ClinVar aggregate classification (germline): Uncertain significance (1 of 4 stars; one submission).

Conditions:
KSR2-related disorder. Also called: KSR2-related condition.

Submission:

PreventionGenetics, part of Exact Sciences
Classification: Uncertain significance for KSR2-related condition. Last evaluated: 2025-07-23. Review status: criteria provided, single submitter. Criteria: ACMG Guidelines, 2015. Collection method: clinical testing. Allele origin: germline.
Comment: The KSR2 c.532_533delinsAG variant is predicted to result in an in-frame deletion and insertion. To our knowledge, this variant has not been reported in the literature or in a large population database (gnomAD), indicating this variant is rare. At this time, the clinical significance of this variant is uncertain due to the absence of conclusive functional and genetic evidence.